The following is an entry in ClinVar:

ClinVar aggregate classification (germline): Uncertain significance. Review status: criteria provided, multiple submitters, no conflicts (2 of 4 stars). 2 submissions from 2 submitters: Uncertain significance (2). Last evaluated 2026-08-08.

Conditions:
Cardiovascular phenotype. Identifiers: MedGen CN230736.

Allele frequency attached by ClinVar (database versions not stated): gnomAD 0.00001; TOPMed 0.00002.
gnomAD v4.1: 13 of 1,570,912 alleles (0.00083%); highest among the groups gnomAD compares: Non-Finnish European, 0.0011%; no homozygotes.

Submissions (2):

Ambry Genetics
Classification: Uncertain significance for Cardiovascular phenotype. Last evaluated: 2026-08-08. Review status: criteria provided, single submitter. Criteria: Ambry Variant Classification Scheme 2023. Collection method: clinical testing. Allele origin: germline.
Comment: The p.D290E variant (also known as c.870T>G), located in coding exon 8 of the PRDM5 gene, results from a T to G substitution at nucleotide position 870. The aspartic acid at codon 290 is replaced by glutamic acid, an amino acid with highly similar properties. This amino acid position is conserved. In addition, this alteration is predicted to be tolerated by in silico analysis. Based on the available evidence, the clinical significance of this variant remains unclear.

Labcorp Genetics (formerly Invitae), Labcorp
Classification: Uncertain significance. Last evaluated: 2022-02-03. Review status: criteria provided, single submitter. Criteria: Invitae Variant Classification Sherloc (09022015). Collection method: clinical testing. Allele origin: germline.
Comment: This sequence change replaces aspartic acid, which is acidic and polar, with glutamic acid, which is acidic and polar, at codon 290 of the PRDM5 protein (p.Asp290Glu). This variant is not present in population databases (gnomAD no frequency). This variant has not been reported in the literature in individuals affected with PRDM5-related conditions. Algorithms developed to predict the effect of missense changes on protein structure and function (SIFT, PolyPhen-2, Align-GVGD) all suggest that this variant is likely to be tolerated. In summary, the available evidence is currently insufficient to determine the role of this variant in disease. Therefore, it has been classified as a Variant of Uncertain Significance.

NM_018699.4(PRDM5):c.870T>G (p.Asp290Glu)

Gene: PRDM5 (PR/SET domain 5; minus strand). Cytogenetic location: 4q27.
Variant type: single nucleotide variant.
Coding change: c.870T>G on transcript NM_018699.4 (MANE Select); coding-DNA position 870, T replaced by G.
Protein change: p.Asp290Glu; replaces aspartic acid 290 with glutamic acid.
Molecular consequence: missense variant.
Genome position (GRCh38, 1-based): chr4:120,811,445, A>C on the plus strand (T>G on the coding strand, the complement: PRDM5 is on the minus strand). VCF-style: chr4-120811445-A-C. GRCh37 (hg19) VCF-style: chr4-121732600-A-C.
Other names: c.870T>G (NM_018699.2); c.777T>G, p.Asp259Glu (NM_001300823.2, NM_001300824.2, NM_001379106.1); c.870T>G, p.Asp290Glu (NM_001379104.1); short protein forms D259E, D290E.
Identifiers: ClinVar variation 1976015 (VCV001976015.3), dbSNP rs772622444, ClinGen allele CA358207345.